The following is an entry in ClinVar:

NM_014679.5(CEP57):c.954T>A (p.Ser318Arg)

Gene: CEP57 (centrosomal protein 57; plus strand). Cytogenetic location: 11q21.
Variant type: single nucleotide variant.
Coding change: c.954T>A on transcript NM_014679.5 (MANE Select); coding-DNA position 954, T replaced by A.
Protein change: p.Ser318Arg; replaces serine 318 with arginine.
Molecular consequence: missense variant.
Genome position (GRCh38, 1-based): chr11:95,827,854, T>A. VCF-style: chr11-95827854-T-A. GRCh37 (hg19) VCF-style: chr11-95561018-T-A.
Other names: c.759T>A, p.Ser253Arg (NM_001440876.1); c.756T>A, p.Ser252Arg (NM_001440877.1, NM_001440878.1); c.729T>A, p.Ser243Arg (NM_001440879.1); c.693T>A, p.Ser231Arg (NM_001440880.1); c.657T>A, p.Ser219Arg (NM_001440881.1); c.651T>A, p.Ser217Arg (NM_001440882.1); c.927T>A, p.Ser309Arg (NM_001243776.2); c.876T>A, p.Ser292Arg (NM_001243777.2); and 6 more; short protein forms S252R, S255R, S258R, S309R, S219R, S243R, S253R, S256R.
Identifiers: ClinVar variation 4226370 (VCV004226370.1).

ClinVar aggregate classification (germline): Uncertain significance (1 of 4 stars; one submission).

Conditions:
Inborn genetic diseases. Identifiers: MedGen C0950123, MeSH D030342.

Submission:

Ambry Genetics
Classification: Uncertain significance for Inborn genetic diseases. Last evaluated: 2025-08-01. Review status: criteria provided, single submitter. Criteria: Ambry Variant Classification Scheme 2023. Collection method: clinical testing. Allele origin: germline.
Comment: The p.S318R variant (also known as c.954T>A), located in coding exon 9 of the CEP57 gene, results from a T to A substitution at nucleotide position 954. The serine at codon 318 is replaced by arginine, an amino acid with dissimilar properties. This amino acid position is conserved. In addition, this alteration is predicted to be tolerated by in silico analysis. Based on the available evidence, the clinical significance of this variant remains unclear.